The following is an entry in ClinVar:

NM_001235.5(SERPINH1):c.184C>T (p.Gln62Ter)

Gene: SERPINH1 (serpin family H member 1; plus strand). Cytogenetic location: 11q13.5.
Variant type: single nucleotide variant.
Coding change: c.184C>T on transcript NM_001235.5 (MANE Select); coding-DNA position 184, C replaced by T.
Protein change: p.Gln62Ter; replaces glutamine 62 with a stop codon.
Molecular consequence: nonsense.
Genome position (GRCh38, 1-based): chr11:75,566,533, C>T. VCF-style: chr11-75566533-C-T. GRCh37 (hg19) VCF-style: chr11-75277578-C-T.
Other names: c.184C>T, p.Gln62Ter (NM_001207014.3); short protein forms Q62*.
Identifiers: ClinVar variation 2755357 (VCV002755357.3), dbSNP rs2497012984, ClinGen allele CA381889147.
Genomic context (GRCh38, chr11:75,566,533, plus strand): 5'-ACGCTTGCCGAGCGCAGCGCCGGCCTGGCCTTCAGCTTGTACCAGGCCATGGCCAAGGAC[C>T]AGGCAGTGGAGAACATCCTGGTGTCACCCGTGGTGGTGGCCTCGTCGCTAGGGCTCGTGT-3'

ClinVar aggregate classification (germline): Pathogenic (1 of 4 stars; one submission).

Submission:

Labcorp Genetics (formerly Invitae), Labcorp
Classification: Pathogenic. Last evaluated: 2023-08-27. Review status: criteria provided, single submitter. Criteria: Invitae Variant Classification Sherloc (09022015). Collection method: clinical testing. Allele origin: germline.
Comment: This sequence change creates a premature translational stop signal (p.Gln62*) in the SERPINH1 gene. It is expected to result in an absent or disrupted protein product. Loss-of-function variants in SERPINH1 are known to be pathogenic (PMID: 20188343, 27677223, 27838364). For these reasons, this variant has been classified as Pathogenic. This variant has not been reported in the literature in individuals affected with SERPINH1-related conditions. This variant is not present in population databases (gnomAD no frequency).

Literature cited by the submitters: PubMed 20188343; PubMed 27677223; PubMed 27838364.